The following is an entry in ClinVar:

NM_153240.5(NPHP3):c.1429T>C (p.Phe477Leu)

Genes: NPHP3 (nephrocystin 3; minus strand), NPHP3-ACAD11 (NPHP3-ACAD11 readthrough (NMD candidate); minus strand). Cytogenetic location: 3q22.1.
Variant type: single nucleotide variant.
Coding change: c.1429T>C on transcript NM_153240.5 (MANE Select); coding-DNA position 1429, T replaced by C.
Protein change: p.Phe477Leu; replaces phenylalanine 477 with leucine.
Molecular consequence: missense variant. On other transcripts: non-coding transcript variant (1).
Genome position (GRCh38, 1-based): chr3:132,704,293, A>G on the plus strand (T>C on the coding strand, the complement: NPHP3 is on the minus strand). VCF-style: chr3-132704293-A-G. GRCh37 (hg19) VCF-style: chr3-132423137-A-G.
Other names: c.1429T>C (NM_153240.4); short protein forms F477L.
Identifiers: ClinVar variation 1989872 (VCV001989872.3), dbSNP rs761955132, ClinGen allele CA2622305.

ClinVar aggregate classification (germline): Uncertain significance. Review status: criteria provided, multiple submitters, no conflicts (2 of 4 stars). 2 submissions from 2 submitters: Uncertain significance (2). Last evaluated 2024-11-25.

Conditions:
Inborn genetic diseases. Identifiers: MedGen C0950123, MeSH D030342.
Nephronophthisis. Also called: Juvenile Nephronophthisis. Identifiers: Orphanet 655, MedGen C0687120, MONDO:0019005, HP:0000090.

Allele frequency attached by ClinVar (database versions not stated): gnomAD exomes below 0.00001; ExAC 0.00001; gnomAD 0.00001; TOPMed 0.00002.
gnomAD v4.1: 5 of 1,614,048 alleles (0.00031%); highest among the groups gnomAD compares: East Asian, 0.0022%; no homozygotes.

Submissions (2):

Ambry Genetics
Classification: Uncertain significance for Inborn genetic diseases. Last evaluated: 2024-11-25. Review status: criteria provided, single submitter. Criteria: Ambry Variant Classification Scheme 2023. Collection method: clinical testing. Allele origin: germline.

Labcorp Genetics (formerly Invitae), Labcorp
Classification: Uncertain significance for Nephronophthisis. Last evaluated: 2022-11-01. Review status: criteria provided, single submitter. Criteria: Invitae Variant Classification Sherloc (09022015). Collection method: clinical testing. Allele origin: germline.
Comment: In summary, the available evidence is currently insufficient to determine the role of this variant in disease. Therefore, it has been classified as a Variant of Uncertain Significance. Advanced modeling of protein sequence and biophysical properties (such as structural, functional, and spatial information, amino acid conservation, physicochemical variation, residue mobility, and thermodynamic stability) performed at Invitae indicates that this missense variant is not expected to disrupt NPHP3 protein function. This variant has not been reported in the literature in individuals affected with NPHP3-related conditions. This variant is present in population databases (rs761955132, gnomAD 0.0009%). This sequence change replaces phenylalanine, which is neutral and non-polar, with leucine, which is neutral and non-polar, at codon 477 of the NPHP3 protein (p.Phe477Leu).